The following is an entry in ClinVar:

ClinVar aggregate classification (germline): Uncertain significance (1 of 4 stars; one submission).

Conditions:
Familial cancer of breast. Also called: hereditary breast carcinoma; Hereditary breast cancer; BREAST CANCER, FAMILIAL. Identifiers: Orphanet 227535, MedGen C0346153, MONDO:0016419, OMIM 114480. Disease mechanism: loss of function.

Submission:

Labcorp Genetics (formerly Invitae), Labcorp
Classification: Uncertain significance for Familial cancer of breast. Last evaluated: 2019-02-11. Review status: criteria provided, single submitter. Criteria: Invitae Variant Classification Sherloc (09022015). Collection method: clinical testing. Allele origin: germline.
Comment: In summary, the available evidence is currently insufficient to determine the role of this variant in disease. Therefore, it has been classified as a Variant of Uncertain Significance. Algorithms developed to predict the effect of missense changes on protein structure and function are either unavailable or do not agree on the potential impact of this missense change (SIFT: "Deleterious"; PolyPhen-2: "Possibly Damaging"; Align-GVGD: "Class C0"). This variant has not been reported in the literature in individuals with CHEK2-related conditions. This variant is not present in population databases (ExAC no frequency). This sequence change replaces isoleucine with arginine at codon 248 of the CHEK2 protein (p.Ile248Arg). The isoleucine residue is moderately conserved and there is a moderate physicochemical difference between isoleucine and arginine.

NM_007194.4(CHEK2):c.743T>G (p.Ile248Arg)

Gene: CHEK2 (checkpoint kinase 2; minus strand). Cytogenetic location: 22q12.1.
Variant type: single nucleotide variant.
Coding change: c.743T>G on transcript NM_007194.4 (MANE Select); coding-DNA position 743, T replaced by G.
Protein change: p.Ile248Arg; replaces isoleucine 248 with arginine.
Molecular consequence: missense variant.
Genome position (GRCh38, 1-based): chr22:28,711,958, A>C on the plus strand (T>G on the coding strand, the complement: CHEK2 is on the minus strand). VCF-style: chr22-28711958-A-C. GRCh37 (hg19) VCF-style: chr22-29107946-A-C.
Other names: c.872T>G, p.Ile291Arg (NM_001005735.3); c.80T>G, p.Ile27Arg (NM_001257387.3); c.542T>G, p.Ile181Arg (NM_001349956.3); c.743T>G, p.Ile248Arg (NM_145862.3); short protein forms I248R, I181R, I27R, I291R.
Identifiers: ClinVar variation 847594 (VCV000847594.10), dbSNP rs2053411134, ClinGen allele CA411103251.